The following is an entry in ClinVar:

ClinVar aggregate classification (germline): Uncertain significance. Review status: criteria provided, multiple submitters, no conflicts (2 of 4 stars). 2 submissions from 2 submitters: Uncertain significance (2). Last evaluated 2024-11-21.

Allele frequency attached by ClinVar (database versions not stated): gnomAD 0.00008 and 0.00009; ExAC 0.00009; ESP Exome Variant Server 0.00015.
gnomAD v4.1: 210 of 1,613,354 alleles (0.013%); highest among the groups gnomAD compares: Middle Eastern, 0.066%; no homozygotes.

Submissions (2):

Blueprint Genetics
Classification: Uncertain significance. Last evaluated: 2024-11-21. Review status: criteria provided, single submitter. Criteria: ACMG Guidelines, 2015. Collection method: clinical testing. Allele origin: germline.

Labcorp Genetics (formerly Invitae), Labcorp
Classification: Uncertain significance. Last evaluated: 2023-11-27. Review status: criteria provided, single submitter. Criteria: Invitae Variant Classification Sherloc (09022015). Collection method: clinical testing. Allele origin: germline.
Comment: This sequence change replaces threonine, which is neutral and polar, with methionine, which is neutral and non-polar, at codon 429 of the ARHGEF18 protein (p.Thr429Met). This variant is present in population databases (rs200483329, gnomAD 0.02%). This variant has not been reported in the literature in individuals affected with ARHGEF18-related conditions. ClinVar contains an entry for this variant (Variation ID: 1061810). An algorithm developed to predict the effect of missense changes on protein structure and function (PolyPhen-2) suggests that this variant is likely to be disruptive. In summary, the available evidence is currently insufficient to determine the role of this variant in disease. Therefore, it has been classified as a Variant of Uncertain Significance.

NM_001367823.1(ARHGEF18):c.1850C>T (p.Thr617Met)

Gene: ARHGEF18 (Rho/Rac guanine nucleotide exchange factor 18; plus strand). Cytogenetic location: 19p13.2.
Variant type: single nucleotide variant.
Coding change: c.1850C>T on transcript NM_001367823.1 (MANE Select); coding-DNA position 1850, C replaced by T.
Protein change: p.Thr617Met; replaces threonine 617 with methionine.
Molecular consequence: missense variant.
Genome position (GRCh38, 1-based): chr19:7,451,261, C>T. VCF-style: chr19-7451261-C-T. GRCh37 (hg19) VCF-style: chr19-7516147-C-T.
Other names: c.1124C>T, p.Thr375Met (NM_001130955.2); c.812C>T, p.Thr271Met (NM_001367824.1, NM_015318.4); short protein forms T271M, T375M, T617M.
Identifiers: ClinVar variation 1061810 (VCV001061810.6), dbSNP rs200483329, ClinGen allele CA9136632.